The following is an entry in ClinVar:

NM_198576.4(AGRN):c.5124G>T (p.Lys1708Asn)

Gene: AGRN (agrin; plus strand). Cytogenetic location: 1p36.33.
Variant type: single nucleotide variant.
Coding change: c.5124G>T on transcript NM_198576.4 (MANE Select); coding-DNA position 5124, G replaced by T.
Protein change: p.Lys1708Asn; replaces lysine 1708 with asparagine.
Molecular consequence: missense variant.
Genome position (GRCh38, 1-based): chr1:1,050,574, G>T. VCF-style: chr1-1050574-G-T. GRCh37 (hg19) VCF-style: chr1-985954-G-T.
Other names: c.5124G>T, p.Lys1708Asn (NM_001305275.2); c.4809G>T, p.Lys1603Asn (NM_001364727.2); short protein forms K1603N, K1708N.
Identifiers: ClinVar variation 2061195 (VCV002061195.4), dbSNP rs2522789265, ClinGen allele CA337780376.
Genomic context (GRCh38, chr1:1,050,574, plus strand): 5'-GGACTTCGTGTCGCTGGCACTGCGGGACCGCCGCCTGGAGTTCCGCTACGACCTGGGCAA[G>T]GGGGCAGCGGTCATCAGGTGGGCCGGCAAGGGTGGCTCTGGGAGGCCTGGGGCACTGGCC-3'
Protein context (NP_940978.2, residues 1698-1718): RRLEFRYDLG[Lys1708Asn]GAAVIRSREP

ClinVar aggregate classification (germline): Uncertain significance (1 of 4 stars; one submission).

Conditions:
Congenital myasthenic syndrome 8. Also called: MYASTHENIC SYNDROME, CONGENITAL, DUE TO AGRIN DEFICIENCY; Myasthenic syndrome, congenital, 8, with pre- and postsynaptic defects. Identifiers: Orphanet 590, MedGen C3808739, MONDO:0014052, OMIM 615120.

Submission:

Labcorp Genetics (formerly Invitae), Labcorp
Classification: Uncertain significance for Congenital myasthenic syndrome 8. Last evaluated: 2023-11-27. Review status: criteria provided, single submitter. Criteria: Invitae Variant Classification Sherloc (09022015). Collection method: clinical testing. Allele origin: germline.
Comment: This sequence change replaces lysine, which is basic and polar, with asparagine, which is neutral and polar, at codon 1708 of the AGRN protein (p.Lys1708Asn). This variant is not present in population databases (gnomAD no frequency). This variant has not been reported in the literature in individuals affected with AGRN-related conditions. ClinVar contains an entry for this variant (Variation ID: 2061195). An algorithm developed to predict the effect of missense changes on protein structure and function (PolyPhen-2) suggests that this variant is likely to be disruptive. In summary, the available evidence is currently insufficient to determine the role of this variant in disease. Therefore, it has been classified as a Variant of Uncertain Significance.